The following is an entry in ClinVar:

ClinVar aggregate classification (germline): Uncertain significance (1 of 4 stars; one submission).

Conditions:
Neuropathy, hereditary sensory and autonomic, type 2A (HSAN2A). Also called: ACROOSTEOLYSIS, GIACCAI TYPE; ACROOSTEOLYSIS, NEUROGENIC; MORVAN DISEASE; NEUROPATHY, CONGENITAL SENSORY; NEUROPATHY, HEREDITARY SENSORY RADICULAR, AUTOSOMAL RECESSIVE; NEUROPATHY, HEREDITARY SENSORY, TYPE IIA. Identifiers: Orphanet 970, MedGen C2752089, MONDO:0024309, OMIM 201300.
Generalized epilepsy with febrile seizures plus, type 7 (GEFSP7). Also called: GEFS+, TYPE 7. Identifiers: Orphanet 36387, MedGen C2751778, MONDO:0013470, OMIM 613863.

Submission:

Labcorp Genetics (formerly Invitae), Labcorp
Classification: Uncertain significance for Neuropathy, hereditary sensory and autonomic, type 2A; Generalized epilepsy with febrile seizures plus, type 7. Last evaluated: 2023-07-20. Review status: criteria provided, single submitter. Criteria: Invitae Variant Classification Sherloc (09022015). Collection method: clinical testing. Allele origin: germline.
Comment: In summary, the available evidence is currently insufficient to determine the role of this variant in disease. Therefore, it has been classified as a Variant of Uncertain Significance. Advanced modeling of protein sequence and biophysical properties (such as structural, functional, and spatial information, amino acid conservation, physicochemical variation, residue mobility, and thermodynamic stability) performed at Invitae indicates that this missense variant is not expected to disrupt SCN9A protein function. This variant has not been reported in the literature in individuals affected with SCN9A-related conditions. This variant is not present in population databases (gnomAD no frequency). This sequence change replaces cysteine, which is neutral and slightly polar, with tyrosine, which is neutral and polar, at codon 884 of the SCN9A protein (p.Cys884Tyr).

NM_001365536.1(SCN9A):c.2684G>A (p.Cys895Tyr)

Genes: SCN1A-AS1 (SCN1A and SCN9A antisense RNA 1; plus strand), SCN9A (sodium voltage-gated channel alpha subunit 9; minus strand). Cytogenetic location: 2q24.3.
Variant type: single nucleotide variant.
Coding change: c.2684G>A on transcript NM_001365536.1 (MANE Select); coding-DNA position 2684, G replaced by A.
Protein change: p.Cys895Tyr; replaces cysteine 895 with tyrosine.
Molecular consequence: missense variant. On other transcripts: non-coding transcript variant (1).
Genome position (GRCh38, 1-based): chr2:166,277,173, C>T on the plus strand (G>A on the coding strand, the complement: SCN9A is on the minus strand). VCF-style: chr2-166277173-C-T. GRCh37 (hg19) VCF-style: chr2-167133683-C-T.
Other names: c.2651G>A, p.Cys884Tyr (NM_002977.4); short protein forms C884Y, C895Y.
Identifiers: ClinVar variation 2950135 (VCV002950135.3), dbSNP rs2468003160, ClinGen allele CA349077805.
Genomic context (GRCh38, chr2:166,277,173, plus strand): 5'-TGGAAGAAGTCGTTCATGTGCCACCGTGGGAGCGTACAGTCATCATTGATCTTGCAGACA[C>T]ATTCTTTGTAGCTCTTACCAAAGAGCTGCATGCCGACCACAGCAAAAATGAAGACGATGA-3'
Protein context (NP_001352465.1, residues 885-905): MQLFGKSYKE[Cys895Tyr]VCKINDDCTL